The following is an entry in ClinVar:

ClinVar aggregate classification (germline): Uncertain significance. Review status: no assertion criteria provided (0 of 4 stars). 2 submissions from 2 submitters: Uncertain significance (2). Last evaluated 2025-01-29.

Conditions:
Alpha thalassemia-X-linked intellectual disability syndrome (ATRX). Also called: ALPHA-THALASSEMIA/MENTAL RETARDATION SYNDROME, X-LINKED; ATR, NONDELETION TYPE; ATR-X syndrome; Alpha thalassemia mental retardation syndrome, nondeletion type, X-linked; XLMR hypotonic face syndrome; X-linked alpha-thalassemia-mental retardation syndrome. Identifiers: Orphanet 847, MedGen C1845055, MONDO:0010519, OMIM 301040.
ATRX-related disorder. Also called: ATRX-related condition.

Submissions (2):

Natera, Inc.
Classification: Uncertain significance for X-linked alpha-thalassemia-mental retardation syndrome. Last evaluated: 2025-01-29. Review status: no assertion criteria provided. Collection method: clinical testing. Allele origin: germline.

PreventionGenetics, part of Exact Sciences
Classification: Uncertain significance for ATRX-related condition. Last evaluated: 2024-04-02. Review status: no assertion criteria provided. Collection method: clinical testing. Allele origin: germline.
Comment: The ATRX c.766A>T variant is predicted to result in the amino acid substitution p.Ile256Leu. To our knowledge, this variant has not been reported in the literature or in a large population database, indicating this variant is rare. Although we suspect this variant may be pathogenic, at this time, the clinical significance of this variant is uncertain due to the absence of conclusive functional and genetic evidence.

NM_000489.6(ATRX):c.766A>T (p.Ile256Leu)

Gene: ATRX (ATRX chromatin remodeler; minus strand). Cytogenetic location: Xq21.1.
Variant type: single nucleotide variant.
Coding change: c.766A>T on transcript NM_000489.6 (MANE Select); coding-DNA position 766, A replaced by T.
Protein change: p.Ile256Leu; replaces isoleucine 256 with leucine.
Molecular consequence: missense variant.
Genome position (GRCh38, 1-based): chrX:77,684,490, T>A on the plus strand (A>T on the coding strand, the complement: ATRX is on the minus strand). VCF-style: chrX-77684490-T-A. GRCh37 (hg19) VCF-style: chrX-76939982-T-A.
Other names: c.652A>T, p.Ile218Leu (NM_138270.5); short protein forms I218L, I256L.
Identifiers: ClinVar variation 3051839 (VCV003051839.3), dbSNP rs2520025757, ClinGen allele CA413720713.